The following is an entry in ClinVar:

ClinVar aggregate classification (germline): Pathogenic/Likely pathogenic. Review status: criteria provided, multiple submitters, no conflicts (2 of 4 stars). 3 submissions from 3 submitters: Pathogenic (1); Likely pathogenic (2). Last evaluated 2024-04-25.

Conditions:
Autosomal recessive nonsyndromic hearing loss 3. Also called: NEUROSENSORY NONSYNDROMIC RECESSIVE DEAFNESS 3. Identifiers: Orphanet 90636, MedGen C1838263, MONDO:0010860, OMIM 600316.

Submissions (3):

Fulgent Genetics
Classification: Likely pathogenic for Autosomal recessive nonsyndromic hearing loss 3. Last evaluated: 2024-04-25. Review status: criteria provided, single submitter. Criteria: ACMG Guidelines, 2015. Collection method: clinical testing. Allele origin: germline.

Labcorp Genetics (formerly Invitae), Labcorp
Classification: Pathogenic. Last evaluated: 2023-09-08. Review status: criteria provided, single submitter. Criteria: Invitae Variant Classification Sherloc (09022015). Collection method: clinical testing. Allele origin: germline.
Comment: This sequence change creates a premature translational stop signal (p.Ser796Valfs*184) in the MYO15A gene. It is expected to result in an absent or disrupted protein product. Loss-of-function variants in MYO15A are known to be pathogenic (PMID: 17546645). This variant is not present in population databases (gnomAD no frequency). This variant has not been reported in the literature in individuals affected with MYO15A-related conditions. ClinVar contains an entry for this variant (Variation ID: 632270). For these reasons, this variant has been classified as Pathogenic.

Department of Human Genetics, Hannover Medical School
Classification: Likely pathogenic for Autosomal recessive nonsyndromic hearing loss 3. Last evaluated: 2022-01-04. Review status: criteria provided, single submitter. Criteria: ACMG Guidelines, 2015. Collection method: clinical testing. Allele origin: germline. Inheritance: Autosomal recessive inheritance. Affected: yes.

Literature cited by the submitters: PubMed 17546645 (cited by Labcorp Genetics (formerly Invitae), Labcorp).

NM_016239.4(MYO15A):c.2384dup (p.Ser796fs)

Gene: MYO15A (myosin XVA; plus strand). Cytogenetic location: 17p11.2.
Variant type: Duplication.
Coding change: c.2384dup on transcript NM_016239.4 (MANE Select); coding-DNA position 2384, one base duplicated (C; older notation c.2384dupC).
Protein change: p.Ser796fs; shifts the reading frame from serine 796.
Molecular consequence: frameshift variant.
Genome position (GRCh38, 1-based): chr17:18,121,184, C duplicated; the last of 5 consecutive C bases (chr17:18,121,180-18,121,184); duplicating any one gives the same sequence. VCF-style (leftmost placement, unchanged base first): chr17-18121179-G-GC. GRCh37 (hg19) VCF-style: chr17-18024493-G-GC.
Other names: short protein forms S796fs.
Identifiers: ClinVar variation 632270 (VCV000632270.9), dbSNP rs1567624190, ClinGen allele CA913190720.
Genomic context (GRCh38, chr17:18,121,179, plus strand): 5'-GGCCTCGCCCCAGCCCTCGCTGAGGAGCTCGCCGGGCCTCGGCTACTGCTCACCCTTGGC[G>GC]CCCCCGTCGCCTCAGCTGTCCTTGCGCACGGGCCCCTTCCAGCCGCCCTTCCTGCCCCCG-3'